The following is an entry in ClinVar:

NM_000245.4(MET):c.1298A>G (p.Gln433Arg)

Gene: MET (MET proto-oncogene, receptor tyrosine kinase; plus strand). Cytogenetic location: 7q31.2.
Variant type: single nucleotide variant.
Coding change: c.1298A>G on transcript NM_000245.4 (MANE Select); coding-DNA position 1298, A replaced by G.
Protein change: p.Gln433Arg; replaces glutamine 433 with arginine.
Molecular consequence: missense variant.
Genome position (GRCh38, 1-based): chr7:116,731,765, A>G. VCF-style: chr7-116731765-A-G. GRCh37 (hg19) VCF-style: chr7-116371819-A-G.
Other names: c.1298A>G, p.Gln433Arg (NM_001127500.3, NM_001324401.3); c.8A>G, p.Gln3Arg (NM_001324402.2); short protein forms Q3R, Q433R.
Identifiers: ClinVar variation 1483300 (VCV001483300.8), dbSNP rs774952152, ClinGen allele CA4448130.

ClinVar aggregate classification (germline): Uncertain significance (1 of 4 stars; one submission).

Conditions:
Renal cell carcinoma. Identifiers: Orphanet 217071, MedGen C0007134, MeSH D002292, MONDO:0005086, HP:0005584.

Allele frequency attached by ClinVar (database versions not stated): gnomAD exomes below 0.00001; ExAC 0.00001.
gnomAD v4.1: 1 of 1,614,168 alleles (0.000062%); highest among the groups gnomAD compares: South Asian, 0.0011%; no homozygotes.

Submission:

Labcorp Genetics (formerly Invitae), Labcorp
Classification: Uncertain significance for Renal cell carcinoma. Last evaluated: 2022-08-09. Review status: criteria provided, single submitter. Criteria: Invitae Variant Classification Sherloc (09022015). Collection method: clinical testing. Allele origin: germline.
Comment: This sequence change replaces glutamine, which is neutral and polar, with arginine, which is basic and polar, at codon 433 of the MET protein (p.Gln433Arg). This variant is present in population databases (rs774952152, gnomAD 0.003%). This variant has not been reported in the literature in individuals affected with MET-related conditions. ClinVar contains an entry for this variant (Variation ID: 1483300). Algorithms developed to predict the effect of missense changes on protein structure and function output the following: SIFT: "Tolerated"; PolyPhen-2: "Benign"; Align-GVGD: "Class C0". The arginine amino acid residue is found in multiple mammalian species, which suggests that this missense change does not adversely affect protein function. In summary, the available evidence is currently insufficient to determine the role of this variant in disease. Therefore, it has been classified as a Variant of Uncertain Significance.